The following is an entry in ClinVar:

ClinVar aggregate classification (germline): Uncertain significance (1 of 4 stars; one submission).

gnomAD v4.1: 15 of 1,614,070 alleles (0.00093%); highest among the groups gnomAD compares: East Asian, 0.0022%; no homozygotes.

Submission:

GeneDx
Classification: Uncertain significance. Last evaluated: 2023-06-14. Review status: criteria provided, single submitter. Criteria: GeneDx Variant Classification Process June 2021. Collection method: clinical testing. Allele origin: germline. Affected: yes.
Comment: In silico analysis supports that this missense variant does not alter protein structure/function; Has not been previously published as pathogenic or benign to our knowledge

NM_015378.4(VPS13D):c.4100C>T (p.Ser1367Leu)

Gene: VPS13D (vacuolar protein sorting 13 homolog D; plus strand). Cytogenetic location: 1p36.22.
Variant type: single nucleotide variant.
Coding change: c.4100C>T on transcript NM_015378.4 (MANE Select); coding-DNA position 4100, C replaced by T.
Protein change: p.Ser1367Leu; replaces serine 1367 with leucine.
Molecular consequence: missense variant.
Genome position (GRCh38, 1-based): chr1:12,277,688, C>T. VCF-style: chr1-12277688-C-T. GRCh37 (hg19) VCF-style: chr1-12337745-C-T.
Other names: c.4100C>T, p.Ser1367Leu (NM_018156.4); short protein forms S1367L.
Identifiers: ClinVar variation 3359910 (VCV003359910.1).